The following is an entry in ClinVar:

NM_000117.3(EMD):c.441C>T (p.Cys147=)

Gene: EMD (emerin; plus strand). Cytogenetic location: Xq28.
Variant type: single nucleotide variant.
Coding change: c.441C>T on transcript NM_000117.3 (MANE Select); coding-DNA position 441, C replaced by T.
Protein change: p.Cys147=; no amino-acid change (cysteine 147 retained).
Molecular consequence: synonymous variant.
Genome position (GRCh38, 1-based): chrX:154,380,794, C>T. VCF-style: chrX-154380794-C-T. GRCh37 (hg19) VCF-style: chrX-153609154-C-T.
Identifiers: ClinVar variation 4535498 (VCV004535498.1).
Genomic context (GRCh38, chrX:154,380,794, plus strand): 5'-CCCTGACTCTCTTCTGCAGGTGCATGATGACGATCTTTTGTCTTCTTCTGAAGAGGAGTG[C>T]AAGGATAGGTGCGTAGTGGGGGAGCCCAGGGACGGGCTGGTTCTGGGTCCAGGCTCCTGG-3'
Protein context (NP_000108.1, residues 137-157): DDLLSSSEEE[Cys147=]KDRERPMYGR

ClinVar aggregate classification (germline): Uncertain significance (1 of 4 stars; one submission).

Submission:

Women's Health and Genetics/Laboratory Corporation of America, LabCorp
Classification: Uncertain significance. Last evaluated: 2025-09-30. Review status: criteria provided, single submitter. Criteria: LabCorp Variant Classification Summary - May 2015. Collection method: clinical testing. Allele origin: germline.
Comment: Variant summary: EMD c.441C>T alters a conserved nucleotide resulting in a synonymous change. Several computational tools predict a significant impact on normal splicing: Four predict the variant creates a 5' donor site. However, these predictions have yet to be confirmed by functional studies. The variant was absent in 183321 control chromosomes. The available data on variant occurrences in the general population are insufficient to allow any conclusion about variant significance. To our knowledge, no occurrence of c.441C>T in individuals affected with EMD-related conditions and no experimental evidence demonstrating its impact on protein function have been reported. No submitters have cited clinical-significance assessments for this variant to ClinVar. Based on the evidence outlined above, the variant was classified as uncertain significance.